The following is an entry in ClinVar:

NM_001287.6(CLCN7):c.188A>G (p.Glu63Gly)

Gene: CLCN7 (Cl-/H+ antiporter 7; minus strand). Cytogenetic location: 16p13.3.
Variant type: single nucleotide variant.
Coding change: c.188A>G on transcript NM_001287.6 (MANE Select); coding-DNA position 188, A replaced by G.
Protein change: p.Glu63Gly; replaces glutamic acid 63 with glycine.
Molecular consequence: missense variant. On other transcripts: intron variant (1).
Genome position (GRCh38, 1-based): chr16:1,465,292, T>C on the plus strand (A>G on the coding strand, the complement: CLCN7 is on the minus strand). VCF-style: chr16-1465292-T-C. GRCh37 (hg19) VCF-style: chr16-1515293-T-C.
Other names: c.142-3618A>G (NM_001114331.3); short protein forms E63G.
Identifiers: ClinVar variation 2728877 (VCV002728877.5), dbSNP rs1186618584, ClinGen allele CA394193572.
Genomic context (GRCh38, chr16:1,465,292, plus strand): 5'-GCTCTGCGGGAGGACGGGGAACACCCCCAACTCACCGGGTCCAAAAGTTCATCATCCAGC[T>C]CCACGCTGCTCATATGTCCGACTCGGAAAAGCGCAGAACGTGGTGACTAAAAGCAGAAGA-3'
Protein context (NP_001278.1, residues 53-73): LFRVGHMSSV[Glu63Gly]LDDELLDPDM

ClinVar aggregate classification (germline): Uncertain significance. Review status: criteria provided, multiple submitters, no conflicts (2 of 4 stars). 2 submissions from 2 submitters: Uncertain significance (2). Last evaluated 2026-02-20.

Allele frequency attached by ClinVar (database versions not stated): gnomAD exomes 0.00001.

Submissions (2):

Dasa
Classification: Uncertain significance. Last evaluated: 2026-02-20. Review status: criteria provided, single submitter. Criteria: DASA Assertion Criteria. Collection method: clinical testing. Allele origin: germline.
Comment: NM_001287.6(CLCN7):c.188A>G (p.Glu63Gly) is a missense variant that results in the substitution of glutamic acid with glycine. This variant is rare in population databases. The currently available literature and clinical evidence are not sufficient to establish a definitive association between this variant and the reported condition. Therefore, this variant is classified as a variant of uncertain significance.

Labcorp Genetics (formerly Invitae), Labcorp
Classification: Uncertain significance. Last evaluated: 2026-01-12. Review status: criteria provided, single submitter. Criteria: Invitae Variant Classification Sherloc (09022015). Collection method: clinical testing. Allele origin: germline.
Comment: This sequence change replaces glutamic acid, which is acidic and polar, with glycine, which is neutral and non-polar, at codon 63 of the CLCN7 protein (p.Glu63Gly). This variant is present in population databases (no rsID available, gnomAD 0.003%). This variant has not been reported in the literature in individuals affected with CLCN7-related conditions. ClinVar contains an entry for this variant (Variation ID: 2728877). Invitae Evidence Modeling of protein sequence and biophysical properties (such as structural, functional, and spatial information, amino acid conservation, physicochemical variation, residue mobility, and thermodynamic stability) indicates that this missense variant is not expected to disrupt CLCN7 protein function with a negative predictive value of 95%. In summary, the available evidence is currently insufficient to determine the role of this variant in disease. Therefore, it has been classified as a Variant of Uncertain Significance.